The following is an entry in ClinVar:

NM_019558.4(HOXD8):c.204G>A (p.Ala68=)

Gene: HOXD8 (homeobox D8; plus strand). Cytogenetic location: 2q31.1.
Variant type: single nucleotide variant.
Coding change: c.204G>A on transcript NM_019558.4 (MANE Select); coding-DNA position 204, G replaced by A.
Protein change: p.Ala68=; no amino-acid change (alanine 68 retained).
Molecular consequence: synonymous variant. On other transcripts: intron variant (1).
Genome position (GRCh38, 1-based): chr2:176,130,570, G>A. VCF-style: chr2-176130570-G-A. GRCh37 (hg19) VCF-style: chr2-176995298-G-A.
Other names: c.204G>A, p.Ala68= (NM_001199746.2); c.-123-226G>A (NM_001199747.2).
Identifiers: ClinVar variation 3054272 (VCV003054272.2), dbSNP rs1437916292, ClinGen allele CA430226850.
Genomic context (GRCh38, chr2:176,130,570, plus strand): 5'-AGCAGCCCTGCAGCTCTATGGCAACAGCGCCGCCGGCTTCCCGCACGCGCCCCCGCAGGC[G>A]CACGCGCACCCGCACCCGTCCCCGCCGCCCTCCGGGACTGGGTGCGGCGGTAGGGAAGGC-3'
Protein context (NP_062458.1, residues 58-78): AAGFPHAPPQ[Ala68=]HAHPHPSPPP

ClinVar aggregate classification (germline): Likely benign (0 of 4 stars; one submission).

Conditions:
HOXD8-related disorder. Also called: HOXD8-related condition.

Allele frequency attached by ClinVar (database versions not stated): gnomAD 0.00004; TOPMed 0.00004.

Submission:

PreventionGenetics, part of Exact Sciences
Classification: Likely benign for HOXD8-related condition. Last evaluated: 2020-11-05. Review status: no assertion criteria provided. Collection method: clinical testing. Allele origin: germline.
Comment: This variant is classified as likely benign based on ACMG/AMP sequence variant interpretation guidelines (Richards et al. 2015 PMID: 25741868, with internal and published modifications).